The following is an entry in ClinVar:

ClinVar aggregate classification (germline): Uncertain significance (1 of 4 stars; one submission).

Allele frequency attached by ClinVar (database versions not stated): TOPMed 0.00005.

Submission:

GeneDx
Classification: Uncertain significance. Last evaluated: 2017-01-25. Review status: criteria provided, single submitter. Criteria: GeneDx Variant Classification (06012015). Collection method: clinical testing. Allele origin: germline. Affected: yes.
Comment: The G15R variant in the SIX5 gene has not been reported previously as a pathogenic variant, nor as a benign variant, to our knowledge. The G15R variant is not observed in large population cohorts (Lek et al., 2016; Exome Variant Server). The G15R variant is a non-conservative amino acid substitution, which is likely to impact secondary protein structure as these residues differ in polarity, charge, size and/or other properties. However, this substitution occurs at a position that is not conserved across species, and in silico analysis is inconsistent in its predictions as to whether or not the variant is damaging to the protein structure/function. We interpret G15R as a variant of uncertain significance.

NM_175875.5(SIX5):c.43G>C (p.Gly15Arg)

Genes: DM1-AS (DM1 locus antisense RNA; plus strand), SIX5 (SIX homeobox 5; minus strand), LOC107075317 (origin of replication in DMPK trinucleotide repeat region; plus strand). Cytogenetic location: 19q13.32.
Variant type: single nucleotide variant.
Coding change: c.43G>C on transcript NM_175875.5 (MANE Select); coding-DNA position 43, G replaced by C.
Protein change: p.Gly15Arg; replaces glycine 15 with arginine.
Molecular consequence: missense variant.
Genome position (GRCh38, 1-based): chr19:45,768,802, C>G on the plus strand (G>C on the coding strand, the complement: SIX5 is on the minus strand). VCF-style: chr19-45768802-C-G. GRCh37 (hg19) VCF-style: chr19-46272060-C-G.
Other names: short protein forms G15R.
Identifiers: ClinVar variation 392946 (VCV000392946.2), dbSNP rs1020167733, ClinGen allele CA16609008.
Genomic context (GRCh38, chr19:45,768,802, plus strand): 5'-GCTGGCGCGCTTCCTCCTCCTCCTCTTCGGTCGCCGCCGCCGCCGCCACCGCCTCCCCCC[C>G]AGCCGCCGGCCCCGCGCTCGGCTCCGCAGGCAAGGTAGCCATGTTTTGCAACTTTGGGAA-3'
Protein context (NP_787071.3, residues 5-25): PAEPSAGPAA[Gly15Arg]GEAVAAAAAT